The following is an entry in ClinVar:

NM_002528.7(NTHL1):c.191A>G (p.Asp64Gly)

Gene: NTHL1 (nth like DNA glycosylase 1; minus strand). Cytogenetic location: 16p13.3.
Variant type: single nucleotide variant.
Coding change: c.191A>G on transcript NM_002528.7 (MANE Select); coding-DNA position 191, A replaced by G.
Protein change: p.Asp64Gly; replaces aspartic acid 64 with glycine.
Molecular consequence: missense variant.
Genome position (GRCh38, 1-based): chr16:2,046,291, T>C on the plus strand (A>G on the coding strand, the complement: NTHL1 is on the minus strand). VCF-style: chr16-2046291-T-C. GRCh37 (hg19) VCF-style: chr16-2096292-T-C.
Other names: c.191A>G, p.Asp64Gly (NM_001318193.2); c.13A>G, p.Thr5Ala (NM_001318194.2); short protein forms D64G, T5A.
Identifiers: ClinVar variation 4662024 (VCV004662024.1).

ClinVar aggregate classification (germline): Uncertain significance (1 of 4 stars; one submission).

Conditions:
Hereditary cancer-predisposing syndrome. Also called: Neoplastic Syndromes, Hereditary; Tumor predisposition; Hereditary Cancer Syndrome; Hereditary neoplastic syndrome. Identifiers: Orphanet 140162, MedGen C0027672, MeSH D009386, MONDO:0015356.

Submission:

Ambry Genetics
Classification: Uncertain significance for Hereditary cancer-predisposing syndrome. Last evaluated: 2025-11-11. Review status: criteria provided, single submitter. Criteria: Ambry Variant Classification Scheme 2023. Collection method: clinical testing. Allele origin: germline.
Comment: The p.D72G variant (also known as c.215A>G), located in coding exon 2 of the NTHL1 gene, results from an A to G substitution at nucleotide position 215. The aspartic acid at codon 72 is replaced by glycine, an amino acid with similar properties. This amino acid position is conserved. In addition, this alteration is predicted to be tolerated by in silico analysis. Based on the available evidence, the clinical significance of this variant remains unclear.